The following is an entry in ClinVar:

NM_015192.4(PLCB1):c.875T>C (p.Val292Ala)

Gene: PLCB1 (phospholipase C beta 1; plus strand). Cytogenetic location: 20p12.3.
Variant type: single nucleotide variant.
Coding change: c.875T>C on transcript NM_015192.4 (MANE Select); coding-DNA position 875, T replaced by C.
Protein change: p.Val292Ala; replaces valine 292 with alanine.
Molecular consequence: missense variant.
Genome position (GRCh38, 1-based): chr20:8,684,944, T>C. VCF-style: chr20-8684944-T-C. GRCh37 (hg19) VCF-style: chr20-8665591-T-C.
Other names: c.875T>C, p.Val292Ala (NM_182734.3); short protein forms V292A.
Identifiers: ClinVar variation 1043165 (VCV001043165.10), dbSNP rs370605921, ClinGen allele CA9759846.

ClinVar aggregate classification (germline): Uncertain significance. Review status: criteria provided, multiple submitters, no conflicts (2 of 4 stars). 3 submissions from 3 submitters: Uncertain significance (3). Last evaluated 2025-06-25.

Conditions:
Developmental and epileptic encephalopathy, 12 (DEE12). Identifiers: MedGen C3150988, MONDO:0013389, OMIM 613722.
Inborn genetic diseases. Identifiers: MedGen C0950123, MeSH D030342.

Allele frequency attached by ClinVar (database versions not stated): gnomAD exomes below 0.00001; TOPMed below 0.00001; ExAC 0.00002; ESP Exome Variant Server 0.00015.
gnomAD v4.1: 2 of 1,613,278 alleles (0.00012%); highest among the groups gnomAD compares: Non-Finnish European, 0.00017%; no homozygotes.

Submissions (3):

Ambry Genetics
Classification: Uncertain significance for Inborn genetic diseases. Last evaluated: 2025-06-25. Review status: criteria provided, single submitter. Criteria: Ambry Variant Classification Scheme 2023. Collection method: clinical testing. Allele origin: germline.

Labcorp Genetics (formerly Invitae), Labcorp
Classification: Uncertain significance for Developmental and epileptic encephalopathy, 12. Last evaluated: 2021-08-31. Review status: criteria provided, single submitter. Criteria: Invitae Variant Classification Sherloc (09022015). Collection method: clinical testing. Allele origin: germline.
Comment: This sequence change replaces valine with alanine at codon 292 of the PLCB1 protein (p.Val292Ala). The valine residue is moderately conserved and there is a small physicochemical difference between valine and alanine. This variant is present in population databases (rs370605921, ExAC 0.003%). This variant has not been reported in the literature in individuals affected with PLCB1-related conditions. Algorithms developed to predict the effect of missense changes on protein structure and function (SIFT, PolyPhen-2, Align-GVGD) all suggest that this variant is likely to be tolerated. In summary, the available evidence is currently insufficient to determine the role of this variant in disease. Therefore, it has been classified as a Variant of Uncertain Significance.

Blueprint Genetics
Classification: Uncertain significance. Last evaluated: 2020-11-30. Review status: criteria provided, single submitter. Criteria: ACMG Guidelines, 2015. Collection method: clinical testing. Allele origin: germline.